The following is an entry in ClinVar:

ClinVar aggregate classification (germline): Benign/Likely benign. Review status: criteria provided, multiple submitters, no conflicts (2 of 4 stars). 4 submissions from 3 submitters: Benign (2); Likely benign (2). Last evaluated 2026-01-04.

Conditions:
Emery-Dreifuss muscular dystrophy 4, autosomal dominant (EDMD4). Also called: EMERY-DREIFUSS MUSCULAR DYSTROPHY 4 WITH VARIABLE FEATURES. Identifiers: Orphanet 261, MedGen C2751807, MONDO:0013071, OMIM 612998.
Autosomal recessive ataxia, Beauce type. Also called: SYNE1-Related Autosomal Recessive Cerebellar Ataxia; Spinocerebellar ataxia, autosomal recessive 8; ATAXIA, RECESSIVE, OF BEAUCE; SYNE1 Deficiency. Identifiers: Orphanet 88644, MedGen C1853116, MONDO:0012549, OMIM 610743.

Allele frequency attached by ClinVar (database versions not stated): gnomAD 0.00010 and 0.00015; gnomAD exomes 0.00015 and 0.00043; TOPMed 0.00023; ExAC 0.00039; 1000 Genomes Project 0.00060; 1000 Genomes Project 30x 0.00062.
gnomAD v4.1: 241 of 1,583,214 alleles (0.015%); highest among the groups gnomAD compares: East Asian, 0.44%; 1 homozygote.

Submissions (4):

Labcorp Genetics (formerly Invitae), Labcorp
Classification: Benign for Emery-Dreifuss muscular dystrophy 4, autosomal dominant; Autosomal recessive ataxia, Beauce type. Last evaluated: 2026-01-04. Review status: criteria provided, single submitter. Criteria: Invitae Variant Classification Sherloc (09022015). Collection method: clinical testing. Allele origin: germline.

Blueprint Genetics
Classification: Likely benign. Last evaluated: 2023-10-03. Review status: criteria provided, single submitter. Criteria: ACMG Guidelines, 2015. Collection method: clinical testing. Allele origin: germline.

Illumina Laboratory Services, Illumina
Classification: Benign for Emery-Dreifuss muscular dystrophy 4, autosomal dominant. Last evaluated: 2018-01-13. Review status: criteria provided, single submitter. Criteria: ICSL Variant Classification Criteria 13 December 2019. Collection method: clinical testing. Allele origin: germline.
Comment: This variant was observed in the ICSL laboratory as part of a predisposition screen in an ostensibly healthy population. It had not been previously curated by ICSL or reported in the Human Gene Mutation Database (HGMD: prior to June 1st, 2018), and was therefore a candidate for classification through an automated scoring system. Utilizing variant allele frequency, disease prevalence and penetrance estimates, and inheritance mode, an automated score was calculated to assess if this variant is too frequent to cause the disease. Based on the score and internal cut-off values, a variant classified as benign is not then subjected to further curation. The score for this variant resulted in a classification of benign for this disease.

Illumina Laboratory Services, Illumina
Classification: Likely benign for Autosomal recessive ataxia, Beauce type. Last evaluated: 2018-01-13. Review status: criteria provided, single submitter. Criteria: ICSL Variant Classification Criteria 13 December 2019. Collection method: clinical testing. Allele origin: germline.
Comment: This variant was observed in the ICSL laboratory as part of a predisposition screen in an ostensibly healthy population. It had not been previously curated by ICSL or reported in the Human Gene Mutation Database (HGMD: prior to June 1st, 2018), and was therefore a candidate for classification through an automated scoring system. Utilizing variant allele frequency, disease prevalence and penetrance estimates, and inheritance mode, an automated score was calculated to assess if this variant is too frequent to cause the disease. Based on the score and internal cut-off values, a variant classified as likely benign is not then subjected to further curation. The score for this variant resulted in a classification of likely benign for this disease.

NM_182961.4(SYNE1):c.1729+14C>T

Gene: SYNE1 (spectrin repeat containing nuclear envelope protein 1; minus strand). Cytogenetic location: 6q25.2.
Variant type: single nucleotide variant.
Coding change: c.1729+14C>T on transcript NM_182961.4 (MANE Select); 14 bases into the intron after coding-DNA position 1729, C replaced by T.
Molecular consequence: intron variant.
Genome position (GRCh38, 1-based): chr6:152,465,968, G>A on the plus strand (C>T on the coding strand, the complement: SYNE1 is on the minus strand). VCF-style: chr6-152465968-G-A. GRCh37 (hg19) VCF-style: chr6-152787103-G-A.
Other names: c.1750+14C>T (NM_033071.5).
Identifiers: ClinVar variation 355938 (VCV000355938.13), dbSNP rs76417048, ClinGen allele CA4059327.